The following is an entry in ClinVar:

ClinVar aggregate classification (germline): Likely pathogenic (1 of 4 stars; one submission).

Allele frequency attached by ClinVar (database versions not stated): gnomAD exomes below 0.00001.

Submission:

Labcorp Genetics (formerly Invitae), Labcorp
Classification: Likely pathogenic. Last evaluated: 2023-07-19. Review status: criteria provided, single submitter. Criteria: Invitae Variant Classification Sherloc (09022015). Collection method: clinical testing. Allele origin: germline.
Comment: This variant is not present in population databases (gnomAD no frequency). This sequence change affects an acceptor splice site in intron 1 of the MOCS2A gene. It is expected to disrupt RNA splicing. Variants that disrupt the donor or acceptor splice site typically lead to a loss of protein function (PMID: 16199547), and loss-of-function variants in MOCS2A are known to be pathogenic (PMID: 21031595). This variant has not been reported in the literature in individuals affected with MOCS2A-related conditions. Algorithms developed to predict the effect of sequence changes on RNA splicing suggest that this variant may disrupt the consensus splice site. In summary, the currently available evidence indicates that the variant is pathogenic, but additional data are needed to prove that conclusively. Therefore, this variant has been classified as Likely Pathogenic.

Literature cited by the submitters: PubMed 16199547; PubMed 21031595.

NM_004531.5(MOCS2):c.-169-2A>G

Gene: MOCS2 (molybdenum cofactor synthesis 2; minus strand). Cytogenetic location: 5q11.2.
Variant type: single nucleotide variant.
Coding change: c.-169-2A>G on transcript NM_004531.5 (MANE Select); the canonical splice acceptor site of the intron before 169 bases upstream of the start codon, A replaced by G.
Molecular consequence: splice acceptor variant.
Genome position (GRCh38, 1-based): chr5:53,108,645, T>C on the plus strand (A>G on the coding strand, the complement: MOCS2 is on the minus strand). VCF-style: chr5-53108645-T-C. GRCh37 (hg19) VCF-style: chr5-52404475-T-C.
Other names: c.19-2A>G (NM_176806.4).
Identifiers: ClinVar variation 2745092 (VCV002745092.3), dbSNP rs2478617586, ClinGen allele CA359694242.